The following is an entry in ClinVar:

NM_001363711.2(DUOX2):c.1421T>C (p.Leu474Pro)

Gene: DUOX2 (dual oxidase 2; minus strand). Cytogenetic location: 15q21.1.
Variant type: single nucleotide variant.
Coding change: c.1421T>C on transcript NM_001363711.2 (MANE Select); coding-DNA position 1421, T replaced by C.
Protein change: p.Leu474Pro; replaces leucine 474 with proline.
Molecular consequence: missense variant.
Genome position (GRCh38, 1-based): chr15:45,108,200, A>G on the plus strand (T>C on the coding strand, the complement: DUOX2 is on the minus strand). VCF-style: chr15-45108200-A-G. GRCh37 (hg19) VCF-style: chr15-45400398-A-G.
Other names: c.1421T>C, p.Leu474Pro (NM_014080.5); short protein forms L474P.
Identifiers: ClinVar variation 4781684 (VCV004781684.1).

ClinVar aggregate classification (germline): Uncertain significance (1 of 4 stars; one submission).

Submission:

Labcorp Genetics (formerly Invitae), Labcorp
Classification: Uncertain significance. Last evaluated: 2025-03-03. Review status: criteria provided, single submitter. Criteria: Invitae Variant Classification Sherloc (09022015). Collection method: clinical testing. Allele origin: germline.
Comment: This sequence change replaces leucine, which is neutral and non-polar, with proline, which is neutral and non-polar, at codon 474 of the DUOX2 protein (p.Leu474Pro). This variant is not present in population databases (gnomAD no frequency). This variant has not been reported in the literature in individuals affected with DUOX2-related conditions. Invitae Evidence Modeling of protein sequence and biophysical properties (such as structural, functional, and spatial information, amino acid conservation, physicochemical variation, residue mobility, and thermodynamic stability) indicates that this missense variant is expected to disrupt DUOX2 protein function with a positive predictive value of 80%. In summary, the available evidence is currently insufficient to determine the role of this variant in disease. Therefore, it has been classified as a Variant of Uncertain Significance.